The following is an entry in ClinVar:

NM_020631.6(PLEKHG5):c.1292T>G (p.Leu431Arg)

Gene: PLEKHG5 (pleckstrin homology and RhoGEF domain containing G5; minus strand). Cytogenetic location: 1p36.31.
Variant type: single nucleotide variant.
Coding change: c.1292T>G on transcript NM_020631.6 (MANE Select); coding-DNA position 1292, T replaced by G.
Protein change: p.Leu431Arg; replaces leucine 431 with arginine.
Molecular consequence: missense variant.
Genome position (GRCh38, 1-based): chr1:6,471,090, A>C on the plus strand (T>G on the coding strand, the complement: PLEKHG5 is on the minus strand). VCF-style: chr1-6471090-A-C. GRCh37 (hg19) VCF-style: chr1-6531150-A-C.
Other names: c.1403T>G, p.Leu468Arg (NM_001042663.3, NM_001265592.2); c.1292T>G, p.Leu431Arg (NM_001042664.2, NM_001042665.2, NM_001265594.3 and 1 more transcripts); c.1499T>G, p.Leu500Arg (NM_001265593.2); short protein forms L431R, L500R, L468R.
Identifiers: ClinVar variation 618832 (VCV000618832.8), dbSNP rs746661057, ClinGen allele CA338128438.

ClinVar aggregate classification (germline): Uncertain significance (1 of 4 stars; one submission).

gnomAD v4.1: 3 of 1,584,132 alleles (0.00019%); highest among the groups gnomAD compares: Non-Finnish European, 0.00026%; no homozygotes.

Submission:

ARUP Laboratories, Molecular Genetics and Genomics, ARUP Laboratories
Classification: Uncertain significance. Last evaluated: 2017-12-03. Review status: criteria provided, single submitter. Criteria: ARUP Molecular Germline Variant Investigation Process. Collection method: clinical testing. Allele origin: germline.
Comment: The p.Leu431Arg variant has not been reported in the medical literature, gene specific variation databases, nor has it been previously identified by our laboratory. It is absent from general population databases such as 1000 Genomes, NHLBI GO Exome Sequencing Project (ESP), and the Genome Aggregation Database (gnomAD). The leucine at position 431 is moderately conserved and computational analyses of the effects of the p.Leu431Arg variant on protein structure and function provides conflicting results (SIFT: tolerated, MutationTaster: benign, PolyPhen-2: disease causing). Altogether, there is not enough evidence to classify the p.Leu431Arg variant with certainty.